The following is an entry in ClinVar:

NM_007294.4(BRCA1):c.5231G>C (p.Arg1744Thr)

Gene: BRCA1 (BRCA1 DNA repair associated; minus strand). Cytogenetic location: 17q21.31.
Variant type: single nucleotide variant.
Coding change: c.5231G>C on transcript NM_007294.4 (MANE Select); coding-DNA position 5231, G replaced by C.
Protein change: p.Arg1744Thr; replaces arginine 1744 with threonine.
Molecular consequence: missense variant. On other transcripts: non-coding transcript variant (1).
Genome position (GRCh38, 1-based): chr17:43,057,098, C>G on the plus strand (G>C on the coding strand, the complement: BRCA1 is on the minus strand). VCF-style: chr17-43057098-C-G. GRCh37 (hg19) VCF-style: chr17-41209115-C-G.
Other names: c.5087G>C, p.Arg1696Thr (NM_001407737.1, NM_001407738.1, NM_001407739.1 and 21 more transcripts); c.5084G>C, p.Arg1695Thr (NM_001407838.1, NM_001407839.1, NM_001407841.1 and 12 more transcripts); c.5225G>C, p.Arg1742Thr (NM_001407861.1, NM_001407629.1, NM_001407630.1 and 14 more transcripts); c.5030G>C, p.Arg1677Thr (NM_001407862.1); c.5027G>C, p.Arg1676Thr (NM_001407863.1); c.5024G>C, p.Arg1675Thr (NM_001407874.1, NM_001407875.1); c.5021G>C, p.Arg1674Thr (NM_001407879.1, NM_001407881.1, NM_001407882.1 and 5 more transcripts); c.5018G>C, p.Arg1673Thr (NM_001407900.1, NM_001407902.1, NM_001407904.1 and 12 more transcripts); and 72 more; short protein forms R1765T, R1744T, R1697T, R640T, R1447T, R1617T, R1717T, R1718T.
Identifiers: ClinVar variation 867870 (VCV000867870.3), dbSNP rs1567764460, ClinGen allele CA10591081.

Conditions:
Breast-ovarian cancer, familial, susceptibility to, 1 (BROVCA1). Also called: BRCA1 Hereditary Breast and Ovarian Cancer; OVARIAN CANCER, SUSCEPTIBILITY TO. Identifiers: Orphanet 145, MedGen C2676676, MONDO:0011450, OMIM 604370. Disease mechanism: loss of function.

Submission:

Brotman Baty Institute, University of Washington
No classification provided (evidence only). Condition: Breast-ovarian cancer, familial 1. Review status: no classification provided. Collection method: in vitro. Allele origin: not applicable. Functional consequence: functionally_normal.
ClinVar note: "not provided" was previously submitted as the classification for the variant. However, the classification appeared to be based only on an observation of functional data so it was converted to no classification on 2025-07-30.